The following is an entry in ClinVar:

ClinVar aggregate classification (germline): Uncertain significance (1 of 4 stars; one submission).

Conditions:
Early-infantile DEE. Also called: Early infantile epileptic encephalopathy with suppression bursts; Early infantile epileptic encephalopathy; Ohtahara syndrome. Identifiers: Orphanet 1934, MedGen C0393706, MONDO:0800491.

Submission:

Labcorp Genetics (formerly Invitae), Labcorp
Classification: Uncertain significance for Early-infantile DEE. Last evaluated: 2022-09-01. Review status: criteria provided, single submitter. Criteria: Invitae Variant Classification Sherloc (09022015). Collection method: clinical testing. Allele origin: germline.
Comment: Advanced modeling of protein sequence and biophysical properties (such as structural, functional, and spatial information, amino acid conservation, physicochemical variation, residue mobility, and thermodynamic stability) performed at Invitae indicates that this missense variant is expected to disrupt SCN1A protein function. In summary, the available evidence is currently insufficient to determine the role of this variant in disease. Therefore, it has been classified as a Variant of Uncertain Significance. ClinVar contains an entry for this variant (Variation ID: 1376109). This variant has not been reported in the literature in individuals affected with SCN1A-related conditions. This variant is not present in population databases (gnomAD no frequency). This sequence change replaces glutamic acid, which is acidic and polar, with valine, which is neutral and non-polar, at codon 1708 of the SCN1A protein (p.Glu1708Val).

NM_001165963.4(SCN1A):c.5123A>T (p.Glu1708Val)

Genes: SCN1A (sodium voltage-gated channel alpha subunit 1; minus strand), LOC102724058 (uncharacterized LOC102724058; plus strand). Cytogenetic location: 2q24.3.
Variant type: single nucleotide variant.
Coding change: c.5123A>T on transcript NM_001165963.4 (MANE Select); coding-DNA position 5123, A replaced by T.
Protein change: p.Glu1708Val; replaces glutamic acid 1708 with valine.
Molecular consequence: missense variant. On other transcripts: non-coding transcript variant (1).
Genome position (GRCh38, 1-based): chr2:165,992,152, T>A on the plus strand (A>T on the coding strand, the complement: SCN1A is on the minus strand). VCF-style: chr2-165992152-T-A. GRCh37 (hg19) VCF-style: chr2-166848662-T-A.
Other names: c.5039A>T, p.Glu1680Val (NM_001165964.3, NM_001353957.2, NM_001353958.2); c.5123A>T, p.Glu1708Val (NM_001202435.3, NM_001353948.2); c.5090A>T, p.Glu1697Val (NM_001353949.2, NM_001353950.2, NM_001353951.2 and 2 more transcripts); c.5087A>T, p.Glu1696Val (NM_001353954.2, NM_001353955.2); c.5036A>T, p.Glu1679Val (NM_001353960.2); c.2681A>T, p.Glu894Val (NM_001353961.2); short protein forms E1680V, E1696V, E1708V, E894V, E1697V, E1679V.
Identifiers: ClinVar variation 1376109 (VCV001376109.7), dbSNP rs2105432174, ClinGen allele CA349069081.